The following is an entry in ClinVar:

ClinVar aggregate classification (germline): Likely benign (1 of 4 stars; one submission).

Conditions:
Familial adenomatous polyposis 1 (FAP1). Also called: POLYPOSIS, ADENOMATOUS INTESTINAL; FAMILIAL ADENOMATOUS POLYPOSIS 1, ATTENUATED. Identifiers: MedGen C2713442, MONDO:0021056, OMIM 175100. Disease mechanism: loss of function.

Submission:

Myriad Genetics, Inc.
Classification: Likely benign for Familial adenomatous polyposis 1. Last evaluated: 2024-02-22. Review status: criteria provided, single submitter. Criteria: Myriad Autosomal Dominant, Autosomal Recessive and X-Linked Classification Criteria (2023). Collection method: clinical testing. Allele origin: unknown.
Comment: This variant is considered likely benign. This variant is intronic and is not expected to impact mRNA splicing.

NM_000038.6(APC):c.221-3T>C

Gene: APC (APC regulator of Wnt signaling pathway; plus strand). Cytogenetic location: 5q22.2.
Variant type: single nucleotide variant.
Coding change: c.221-3T>C on transcript NM_000038.6 (MANE Select); 3 bases into the intron before coding-DNA position 221, T replaced by C.
Molecular consequence: intron variant.
Genome position (GRCh38, 1-based): chr5:112,767,186, T>C. VCF-style: chr5-112767186-T-C. GRCh37 (hg19) VCF-style: chr5-112102883-T-C.
Other names: c.-815-3T>C (NM_001407470.1, NM_001407472.1, NM_001354906.2 and 1 more transcripts); c.221-3T>C (NM_001407447.1, NM_001354895.2, NM_001407456.1 and 16 more transcripts); c.251-3T>C (NM_001407446.1, NM_001354897.2, NM_001354902.2 and 1 more transcripts); c.44-3T>C (NM_001407453.1, NM_001354900.2, NM_001354901.2 and 1 more transcripts); c.146-3T>C (NM_001407451.1, NM_001354898.2, NM_001354904.2).
Identifiers: ClinVar variation 3148168 (VCV003148168.1), dbSNP rs2532289203, ClinGen allele CA2825001325.
Genomic context (GRCh38, chr5:112,767,186, plus strand): 5'-TTAAGAATATTTTAGACTGCTTAAAGCAATTGTTGTATAAAAACTTGTTTCTATTTTATT[T>C]AGAGCTTAACTTAGATAGCAGTAATTTCCCTGGAGTAAAACTGCGGTCAAAAATGTCCCT-3'